The following is an entry in ClinVar:

NM_005802.5(TOPORS):c.56C>T (p.Pro19Leu)

Gene: TOPORS (TOP1 binding arginine/serine rich protein, E3 ubiquitin ligase; minus strand). Cytogenetic location: 9p21.1.
Variant type: single nucleotide variant.
Coding change: c.56C>T on transcript NM_005802.5 (MANE Select); coding-DNA position 56, C replaced by T.
Protein change: p.Pro19Leu; replaces proline 19 with leucine.
Molecular consequence: missense variant. On other transcripts: intron variant (1).
Genome position (GRCh38, 1-based): chr9:32,550,916, G>A on the plus strand (C>T on the coding strand, the complement: TOPORS is on the minus strand). VCF-style: chr9-32550916-G-A. GRCh37 (hg19) VCF-style: chr9-32550914-G-A.
Other names: c.3+1518C>T (NM_001195622.2); short protein forms P19L.
Identifiers: ClinVar variation 3693436 (VCV003693436.2).

ClinVar aggregate classification (germline): Uncertain significance (1 of 4 stars; one submission).

Submission:

Labcorp Genetics (formerly Invitae), Labcorp
Classification: Uncertain significance. Last evaluated: 2024-10-10. Review status: criteria provided, single submitter. Criteria: Invitae Variant Classification Sherloc (09022015). Collection method: clinical testing. Allele origin: germline.
Comment: This sequence change replaces proline, which is neutral and non-polar, with leucine, which is neutral and non-polar, at codon 19 of the TOPORS protein (p.Pro19Leu). This variant is not present in population databases (gnomAD no frequency). This variant has not been reported in the literature in individuals affected with TOPORS-related conditions. An algorithm developed to predict the effect of missense changes on protein structure and function outputs the following: PolyPhen-2: "Probably Damaging". The leucine amino acid residue is found in multiple mammalian species, which suggests that this missense change does not adversely affect protein function. In summary, the available evidence is currently insufficient to determine the role of this variant in disease. Therefore, it has been classified as a Variant of Uncertain Significance.